The following is an entry in ClinVar:

ClinVar aggregate classification (germline): Uncertain significance (1 of 4 stars; one submission).

Submission:

Ambry Genetics
Classification: Uncertain significance. Last evaluated: 2022-05-19. Review status: criteria provided, single submitter. Criteria: Ambry Variant Classification Scheme 2023. Collection method: clinical testing. Allele origin: germline.
Comment: The p.R1092S variant (also known as c.3276A>C), located in coding exon 16 of the POLQ gene, results from an A to C substitution at nucleotide position 3276. The arginine at codon 1092 is replaced by serine, an amino acid with dissimilar properties. This amino acid position is conserved. In addition, this alteration is predicted to be tolerated by in silico analysis. Since supporting evidence is limited at this time, the clinical significance of this alteration remains unclear.

NM_199420.4(POLQ):c.3276A>C (p.Arg1092Ser)

Gene: POLQ (DNA polymerase theta; minus strand). Cytogenetic location: 3q13.33.
Variant type: single nucleotide variant.
Coding change: c.3276A>C on transcript NM_199420.4 (MANE Select); coding-DNA position 3276, A replaced by C.
Protein change: p.Arg1092Ser; replaces arginine 1092 with serine.
Molecular consequence: missense variant.
Genome position (GRCh38, 1-based): chr3:121,489,655, T>G on the plus strand (A>C on the coding strand, the complement: POLQ is on the minus strand). VCF-style: chr3-121489655-T-G. GRCh37 (hg19) VCF-style: chr3-121208502-T-G.
Other names: short protein forms R1092S.
Identifiers: ClinVar variation 1729668 (VCV001729668.2), dbSNP rs2546787596, ClinGen allele CA354100896.